The following is an entry in ClinVar:

ClinVar aggregate classification (germline): Benign/Likely benign. Review status: criteria provided, multiple submitters, no conflicts (2 of 4 stars). 3 submissions from 3 submitters: Benign (1); Likely benign (2). Last evaluated 2026-01-12.

Conditions:
Mitochondrial complex II deficiency, nuclear type 1. Also called: SUCCINATE CoQ REDUCTASE DEFICIENCY. Identifiers: Orphanet 3208, MedGen C5700310, MONDO:0100294, OMIM 252011.
Pheochromocytoma/paraganglioma syndrome 5. Also called: Paragangliomas 5; SDHA-Related Hereditary Paraganglioma-Pheochromocytoma Syndrome. Identifiers: Orphanet 29072, MedGen C3279992, MONDO:0013602, OMIM 614165.
Hereditary cancer-predisposing syndrome. Also called: Hereditary Cancer Syndrome; Hereditary neoplastic syndrome; Neoplastic Syndromes, Hereditary; Tumor predisposition. Identifiers: Orphanet 140162, MedGen C0027672, MeSH D009386, MONDO:0015356.

Allele frequency attached by ClinVar (database versions not stated): TOPMed 0.00002; gnomAD exomes 0.00003 and 0.00018; gnomAD 0.00005; ExAC 0.00015.
gnomAD v4.1: 51 of 1,611,760 alleles (0.0032%); highest among the groups gnomAD compares: East Asian, 0.069%; no homozygotes.

Submissions (3):

Labcorp Genetics (formerly Invitae), Labcorp
Classification: Likely benign for Pheochromocytoma/paraganglioma syndrome 5; Mitochondrial complex II deficiency, nuclear type 1. Last evaluated: 2026-01-12. Review status: criteria provided, single submitter. Criteria: Invitae Variant Classification Sherloc (09022015). Collection method: clinical testing. Allele origin: germline.

Myriad Genetics, Inc.
Classification: Benign for Pheochromocytoma/paraganglioma syndrome 5. Last evaluated: 2025-03-10. Review status: criteria provided, single submitter. Criteria: Myriad Autosomal Dominant, Autosomal Recessive and X-Linked Classification Criteria (2023). Collection method: clinical testing. Allele origin: unknown.
Comment: This variant is considered benign. This variant is a silent/synonymous amino acid change and it is not expected to impact splicing.

Ambry Genetics
Classification: Likely benign for Hereditary cancer-predisposing syndrome. Last evaluated: 2015-08-28. Review status: criteria provided, single submitter. Criteria: Ambry Variant Classification Scheme 2023. Collection method: clinical testing. Allele origin: germline.

NM_004168.4(SDHA):c.1653G>A (p.Thr551=)

Gene: SDHA (succinate dehydrogenase complex flavoprotein subunit A; plus strand). Cytogenetic location: 5p15.33.
Variant type: single nucleotide variant.
Coding change: c.1653G>A on transcript NM_004168.4 (MANE Select); coding-DNA position 1653, G replaced by A.
Protein change: p.Thr551=; no amino-acid change (threonine 551 retained).
Molecular consequence: synonymous variant. On other transcripts: intron variant (1).
Genome position (GRCh38, 1-based): chr5:251,093, G>A. VCF-style: chr5-251093-G-A. GRCh37 (hg19) VCF-style: chr5-251208-G-A.
Other names: c.1509G>A, p.Thr503= (NM_001294332.2); c.1552-3300G>A (NM_001330758.2).
Identifiers: ClinVar variation 239653 (VCV000239653.17), dbSNP rs761927291, ClinGen allele CA3173311.